The following is an entry in ClinVar:

NM_001008537.3(NEXMIF):c.239C>T (p.Pro80Leu)

Gene: NEXMIF (neurite extension and migration factor; minus strand). Cytogenetic location: Xq13.3.
Variant type: single nucleotide variant.
Coding change: c.239C>T on transcript NM_001008537.3 (MANE Select); coding-DNA position 239, C replaced by T.
Protein change: p.Pro80Leu; replaces proline 80 with leucine.
Molecular consequence: missense variant.
Genome position (GRCh38, 1-based): chrX:74,744,318, G>A on the plus strand (C>T on the coding strand, the complement: NEXMIF is on the minus strand). VCF-style: chrX-74744318-G-A. GRCh37 (hg19) VCF-style: chrX-73964153-G-A.
Other names: short protein forms P80L.
Identifiers: ClinVar variation 1056481 (VCV001056481.13), dbSNP rs1472519537, ClinGen allele CA413674021.

ClinVar aggregate classification (germline): Uncertain significance. Review status: criteria provided, multiple submitters, no conflicts (2 of 4 stars). 2 submissions from 2 submitters: Uncertain significance (2). Last evaluated 2024-04-15.

Allele frequency attached by ClinVar (database versions not stated): gnomAD 0.00001; TOPMed 0.00001.
gnomAD v4.1: 1 of 1,209,621 alleles (0.000083%); highest among the groups gnomAD compares: African/African-American, 0.0018%; no homozygotes.

Submissions (2):

GeneDx
Classification: Uncertain significance. Last evaluated: 2024-04-15. Review status: criteria provided, single submitter. Criteria: GeneDx Variant Classification Process June 2021. Collection method: clinical testing. Allele origin: germline. Affected: yes.
Comment: Not observed at significant frequency in large population cohorts (gnomAD); In silico analysis indicates that this missense variant does not alter protein structure/function; Has not been previously published as pathogenic or benign to our knowledge

Labcorp Genetics (formerly Invitae), Labcorp
Classification: Uncertain significance. Last evaluated: 2022-03-23. Review status: criteria provided, single submitter. Criteria: Invitae Variant Classification Sherloc (09022015). Collection method: clinical testing. Allele origin: germline.
Comment: This variant has not been reported in the literature in individuals affected with NEXMIF-related conditions. This variant is not present in population databases (gnomAD no frequency). This sequence change replaces proline, which is neutral and non-polar, with leucine, which is neutral and non-polar, at codon 80 of the NEXMIF protein (p.Pro80Leu). In summary, the available evidence is currently insufficient to determine the role of this variant in disease. Therefore, it has been classified as a Variant of Uncertain Significance. Algorithms developed to predict the effect of missense changes on protein structure and function (SIFT, PolyPhen-2, Align-GVGD) all suggest that this variant is likely to be disruptive. ClinVar contains an entry for this variant (Variation ID: 1056481).